The following is an entry in ClinVar:

ClinVar aggregate classification (germline): Uncertain significance (1 of 4 stars; one submission).

gnomAD v4.1: 1 of 1,589,156 alleles (0.000063%); highest among the groups gnomAD compares: Non-Finnish European, 0.000086%; no homozygotes.

Submission:

GeneDx
Classification: Uncertain significance. Last evaluated: 2024-12-03. Review status: criteria provided, single submitter. Criteria: GeneDx Variant Classification Process June 2021. Collection method: clinical testing. Allele origin: germline. Affected: yes.
Comment: Not observed at significant frequency in large population cohorts (gnomAD); In silico analysis supports that this missense variant has a deleterious effect on protein structure/function; Has not been previously published as pathogenic or benign to our knowledge

NM_002742.3(PRKD1):c.1799G>T (p.Gly600Val)

Gene: PRKD1 (protein kinase D1; minus strand). Cytogenetic location: 14q12.
Variant type: single nucleotide variant.
Coding change: c.1799G>T on transcript NM_002742.3 (MANE Select); coding-DNA position 1799, G replaced by T.
Protein change: p.Gly600Val; replaces glycine 600 with valine.
Molecular consequence: missense variant.
Genome position (GRCh38, 1-based): chr14:29,624,258, C>A on the plus strand (G>T on the coding strand, the complement: PRKD1 is on the minus strand). VCF-style: chr14-29624258-C-A. GRCh37 (hg19) VCF-style: chr14-30093464-C-A.
Other names: c.1823G>T, p.Gly608Val (NM_001330069.2); c.1535G>T, p.Gly512Val (NM_001348390.1); short protein forms G512V, G600V, G608V.
Identifiers: ClinVar variation 3901612 (VCV003901612.1).